The following is an entry in ClinVar:

NM_001367624.2(ZNF469):c.4761G>C (p.Glu1587Asp)

Gene: ZNF469 (zinc finger protein 469; plus strand). Cytogenetic location: 16q24.2.
Variant type: single nucleotide variant.
Coding change: c.4761G>C on transcript NM_001367624.2 (MANE Select); coding-DNA position 4761, G replaced by C.
Protein change: p.Glu1587Asp; replaces glutamic acid 1587 with aspartic acid.
Molecular consequence: missense variant.
Genome position (GRCh38, 1-based): chr16:88,432,231, G>C. VCF-style: chr16-88432231-G-C. GRCh37 (hg19) VCF-style: chr16-88498639-G-C.
Other names: NM_001127464.1:c.4677G>C; short protein forms E1587D.
Identifiers: ClinVar variation 1742363 (VCV001742363.2), dbSNP rs780272537, ClinGen allele CA397093372.
Genomic context (GRCh38, chr16:88,432,231, plus strand): 5'-GGTCACCGAATTAGAAAGTCAGCTGCAAAGGAGCAAAGACACACGTGGGGCCCCGAGAGA[G>C]CTTGCAGAAGCTGAGTCGGTGGGCAGGGTGGAGCTCGGCACAGGCACAGAGCCACCCTCC-3'
Protein context (NP_001354553.1, residues 1577-1597): RSKDTRGAPR[Glu1587Asp]LAEAESVGRV

ClinVar aggregate classification (germline): Uncertain significance (1 of 4 stars; one submission).

Conditions:
Cardiovascular phenotype. Identifiers: MedGen CN230736.

Submission:

Ambry Genetics
Classification: Uncertain significance for Cardiovascular phenotype. Last evaluated: 2020-09-30. Review status: criteria provided, single submitter. Criteria: Ambry Variant Classification Scheme 2023. Collection method: clinical testing. Allele origin: germline.
Comment: The p.E1559D variant (also known as c.4677G>C), located in coding exon 2 of the ZNF469 gene, results from a G to C substitution at nucleotide position 4677. The glutamic acid at codon 1559 is replaced by aspartic acid, an amino acid with highly similar properties. This amino acid position is poorly conserved in available vertebrate species. In addition, this alteration is predicted to be tolerated by in silico analysis. Since supporting evidence is limited at this time, the clinical significance of this alteration remains unclear.